The following is an entry in ClinVar:

NM_000211.5(ITGB2):c.474C>A (p.Asn158Lys)

Gene: ITGB2 (integrin subunit beta 2; minus strand). Cytogenetic location: 21q22.3.
Variant type: single nucleotide variant.
Coding change: c.474C>A on transcript NM_000211.5 (MANE Select); coding-DNA position 474, C replaced by A.
Protein change: p.Asn158Lys; replaces asparagine 158 with lysine.
Molecular consequence: missense variant.
Genome position (GRCh38, 1-based): chr21:44,903,390, G>T on the plus strand (C>A on the coding strand, the complement: ITGB2 is on the minus strand). VCF-style: chr21-44903390-G-T. GRCh37 (hg19) VCF-style: chr21-46323305-G-T.
Other names: c.474C>A, p.Asn158Lys (NM_001127491.3); c.267C>A, p.Asn89Lys (NM_001303238.2); short protein forms N158K, N89K.
Identifiers: ClinVar variation 1717185 (VCV001717185.6), dbSNP rs753440204, ClinGen allele CA410478177.
Genomic context (GRCh38, chr21:44,903,390, plus strand): 5'-GGACTGGGTTTTGTCCTGCAGTGCCTGGGCCTCACCAATGCGGCCGGACTCGGTGATCTC[G>T]TTGAGGGCCCGGAGCAGGTCGCCACCTAGCTTCTTGACATTCCTGAGGTCATCAAGCATG-3'
Protein context (NP_000202.3, residues 148-168): KLGGDLLRAL[Asn158Lys]EITESGRIGF

ClinVar aggregate classification (germline): Uncertain significance (1 of 4 stars; one submission).

Conditions:
Leukocyte adhesion deficiency 1 (LAD1). Also called: LEUKOCYTE ADHESION DEFICIENCY, TYPE I; LAD 1; Lymphocyte function-associated antigen 1 immunodeficiency; LFA 1 immunodeficiency. Identifiers: Orphanet 2968, Orphanet 99842, MedGen C0398738, MONDO:0007293, OMIM 116920.

Submission:

Labcorp Genetics (formerly Invitae), Labcorp
Classification: Uncertain significance for Leukocyte adhesion deficiency 1. Last evaluated: 2024-12-31. Review status: criteria provided, single submitter. Criteria: Invitae Variant Classification Sherloc (09022015). Collection method: clinical testing. Allele origin: germline.
Comment: This sequence change replaces asparagine, which is neutral and polar, with lysine, which is basic and polar, at codon 158 of the ITGB2 protein (p.Asn158Lys). This variant is not present in population databases (gnomAD no frequency). This variant has not been reported in the literature in individuals affected with ITGB2-related conditions. ClinVar contains an entry for this variant (Variation ID: 1717185). Invitae Evidence Modeling of protein sequence and biophysical properties (such as structural, functional, and spatial information, amino acid conservation, physicochemical variation, residue mobility, and thermodynamic stability) has been performed for this missense variant. However, the output from this modeling did not meet the statistical confidence thresholds required to predict the impact of this variant on ITGB2 protein function. In summary, the available evidence is currently insufficient to determine the role of this variant in disease. Therefore, it has been classified as a Variant of Uncertain Significance.